The following is an entry in ClinVar:

ClinVar aggregate classification (germline): Benign/Likely benign. Review status: criteria provided, multiple submitters, no conflicts (2 of 4 stars). 7 submissions from 7 submitters: Benign (4); Likely benign (3). Last evaluated 2026-02-12.

Conditions:
X-linked intellectual disability, van Esch type. Also called: Van Esch-O'Driscoll syndrome; MENTAL RETARDATION, X-LINKED, SYNDROMIC, VAN ESCH-O''DRISCOLL TYPE. Identifiers: Orphanet 163976, MedGen C4305072, MONDO:0015601, OMIM 301030.
X-linked reticulate pigmentary disorder. Also called: Pigmentary disorder, reticulate, with systemic manifestations, X-linked. Identifiers: Orphanet 85453, MedGen C1845050, MONDO:0010523, OMIM 301220.

Allele frequency attached by ClinVar (database versions not stated): 1000 Genomes Project 30x 0.00187; 1000 Genomes Project 0.00238; ExAC 0.00340; gnomAD exomes 0.00354; gnomAD 0.00357 and 0.00390; ESP Exome Variant Server 0.00398.
gnomAD v4.1: 6,151 of 1,194,335 alleles (0.52%); highest among the groups gnomAD compares: Non-Finnish European, 0.61%; 13 homozygotes.

Submissions (7):

Women's Health and Genetics/Laboratory Corporation of America, LabCorp
Classification: Benign. Last evaluated: 2026-02-12. Review status: criteria provided, single submitter. Criteria: LabCorp Variant Classification Summary - May 2015. Collection method: clinical testing. Allele origin: germline.
Comment: Variant summary: POLA1 c.2249A>G (p.Lys750Arg) results in a conservative amino acid change in the encoded protein sequence. Algorithms developed to predict the effect of missense changes on protein structure and function are either unavailable or do not agree on the potential impact of this missense change. The variant allele was found at a frequency of 0.0035 in 183361 control chromosomes in the gnomAD database, including 1 homozygote and 249 hemizygotes. The observed variant frequency exceeds the estimated maximal expected allele frequency for disease-causing variants in POLA1. c.2249A>G has been observed in an individual with a complex phenotype who had multiple co-occurrences, including a pathogenic de novo variant in the GATA6 gene (example: kori-Milosavljevi_2019). This report does not provide unequivocal conclusions about association of the POLA1 c.2249A>G variant with X-linked reticulate pigmentary disorder. To our knowledge, no experimental evidence demonstrating an impact on protein function has been reported. The following publication has been ascertained in the context of this evaluation (PMID: 31301121). ClinVar contains an entry for this variant (Variation ID: 1168543). Based on the evidence outlined above, the variant was classified as benign.

Labcorp Genetics (formerly Invitae), Labcorp
Classification: Benign. Last evaluated: 2026-02-01. Review status: criteria provided, single submitter. Criteria: Invitae Variant Classification Sherloc (09022015). Collection method: clinical testing. Allele origin: germline.

Blueprint Genetics
Classification: Likely benign. Last evaluated: 2024-11-27. Review status: criteria provided, single submitter. Criteria: ACMG Guidelines, 2015. Collection method: clinical testing. Allele origin: germline.

Mayo Clinic Laboratories, Mayo Clinic
Classification: Benign. Last evaluated: 2024-01-18. Review status: criteria provided, single submitter. Criteria: ACMG Guidelines, 2015. Collection method: clinical testing. Allele origin: germline. Observed: 4 variant alleles.
Comment: BS1, BS2, BP4

Victorian Clinical Genetics Services, Murdoch Childrens Research Institute
Classification: Likely benign for X-linked intellectual disability, van Esch type. Last evaluated: 2023-07-17. Review status: criteria provided, single submitter. Criteria: ACMG Guidelines, 2015. Collection method: clinical testing. Allele origin: germline. Inheritance: X-linked recessive inheritance.
Comment: Based on the classification scheme VCGS_Germline_v1.3.4, this variant is classified as likely benign. Following criteria are met: 0308 - Population frequency for this variant is out of keeping with known incidence of Van Esch-O'Driscoll syndrome (MIM#301030), with 124 hemizygotes and 2 homozygotes in gnomAD v3. (SB) Legend: (SP) - Supporting pathogenic, (I) - Information, (SB) - Supporting benign

Fulgent Genetics
Classification: Likely benign for X-linked intellectual disability, van Esch type; X-linked reticulate pigmentary disorder. Last evaluated: 2022-02-15. Review status: criteria provided, single submitter. Criteria: ACMG Guidelines, 2015. Collection method: clinical testing. Allele origin: unknown.

Breakthrough Genomics
Classification: Benign. Review status: criteria provided, single submitter. Criteria: ACMG Guidelines, 2015. Collection method: not provided. Allele origin: germline. Inheritance: X-linked inheritance. Affected: yes.

Literature cited by the submitters: PubMed 31301121 (cited by Women's Health and Genetics/Laboratory Corporation of America, LabCorp).

NM_001330360.2(POLA1):c.2267A>G (p.Lys756Arg)

Gene: POLA1 (DNA polymerase alpha 1, catalytic subunit; plus strand). Cytogenetic location: Xp22.11.
Variant type: single nucleotide variant.
Coding change: c.2267A>G on transcript NM_001330360.2 (MANE Select); coding-DNA position 2267, A replaced by G.
Protein change: p.Lys756Arg; replaces lysine 756 with arginine.
Molecular consequence: missense variant. On other transcripts: non-coding transcript variant (2).
Genome position (GRCh38, 1-based): chrX:24,741,425, A>G. VCF-style: chrX-24741425-A-G. GRCh37 (hg19) VCF-style: chrX-24759542-A-G.
Other names: p.Lys750Arg; c.2267A>G (NM_001330360.1); c.2192A>G, p.Lys731Arg (NM_001378303.1); c.2249A>G, p.Lys750Arg (NM_016937.4); short protein forms K731R, K750R, K756R.
Identifiers: ClinVar variation 1168543 (VCV001168543.17), dbSNP rs2230928, ClinGen allele CA10373136.